The following is an entry in ClinVar:

NM_000233.4(LHCGR):c.469G>A (p.Asp157Asn)

Genes: LHCGR (luteinizing hormone/choriogonadotropin receptor; minus strand), STON1-GTF2A1L (STON1-GTF2A1L readthrough; plus strand). Cytogenetic location: 2p16.3.
Variant type: single nucleotide variant.
Coding change: c.469G>A on transcript NM_000233.4 (MANE Select); coding-DNA position 469, G replaced by A.
Protein change: p.Asp157Asn; replaces aspartic acid 157 with asparagine.
Molecular consequence: missense variant. On other transcripts: intron variant (1).
Genome position (GRCh38, 1-based): chr2:48,723,523, C>T on the plus strand (G>A on the coding strand, the complement: LHCGR is on the minus strand). VCF-style: chr2-48723523-C-T. GRCh37 (hg19) VCF-style: chr2-48950662-C-T.
Other names: c.3441+51843C>T (NM_001198593.2); short protein forms D157N.
Identifiers: ClinVar variation 2834676 (VCV002834676.3), dbSNP rs772004562, ClinGen allele CA346759133.

ClinVar aggregate classification (germline): Uncertain significance (1 of 4 stars; one submission).

gnomAD v4.1: 1 of 1,612,846 alleles (0.000062%); highest among the groups gnomAD compares: Admixed American, 0.0017%; no homozygotes.

Submission:

Labcorp Genetics (formerly Invitae), Labcorp
Classification: Uncertain significance. Last evaluated: 2023-11-07. Review status: criteria provided, single submitter. Criteria: Invitae Variant Classification Sherloc (09022015). Collection method: clinical testing. Allele origin: germline.
Comment: This sequence change replaces aspartic acid, which is acidic and polar, with asparagine, which is neutral and polar, at codon 157 of the LHCGR protein (p.Asp157Asn). This variant is not present in population databases (gnomAD no frequency). This variant has not been reported in the literature in individuals affected with LHCGR-related conditions. Advanced modeling of protein sequence and biophysical properties (such as structural, functional, and spatial information, amino acid conservation, physicochemical variation, residue mobility, and thermodynamic stability) has been performed at Invitae for this missense variant, however the output from this modeling did not meet the statistical confidence thresholds required to predict the impact of this variant on LHCGR protein function. Algorithms developed to predict the effect of sequence changes on RNA splicing suggest that this variant may disrupt the consensus splice site. In summary, the available evidence is currently insufficient to determine the role of this variant in disease. Therefore, it has been classified as a Variant of Uncertain Significance.